The following is an entry in ClinVar:

NM_004186.5(SEMA3F):c.2093G>T (p.Gly698Val)

Gene: SEMA3F (semaphorin 3F; plus strand). Cytogenetic location: 3p21.31.
Variant type: single nucleotide variant.
Coding change: c.2093G>T on transcript NM_004186.5 (MANE Select); coding-DNA position 2093, G replaced by T.
Protein change: p.Gly698Val; replaces glycine 698 with valine.
Molecular consequence: missense variant.
Genome position (GRCh38, 1-based): chr3:50,187,850, G>T. VCF-style: chr3-50187850-G-T. GRCh37 (hg19) VCF-style: chr3-50225283-G-T.
Other names: c.1796G>T, p.Gly599Val (NM_001318798.2); c.2000G>T, p.Gly667Val (NM_001318800.2); short protein forms G599V, G667V, G698V.
Identifiers: ClinVar variation 3357451 (VCV003357451.2).

ClinVar aggregate classification (germline): Uncertain significance (1 of 4 stars; one submission).

Conditions:
SEMA3F-related disorder. Also called: SEMA3F-related condition.

gnomAD v4.1: 3 of 1,613,208 alleles (0.00019%); highest among the groups gnomAD compares: Admixed American, 0.0033%; no homozygotes.

Submission:

PreventionGenetics, part of Exact Sciences
Classification: Uncertain significance for SEMA3F-related condition. Last evaluated: 2025-07-02. Review status: criteria provided, single submitter. Criteria: ACMG Guidelines, 2015. Collection method: clinical testing. Allele origin: germline.
Comment: The SEMA3F c.2093G>T variant is predicted to result in the amino acid substitution p.Gly698Val. To our knowledge, this variant has not been reported in the literature or in a large population database, indicating this variant is rare. At this time, the clinical significance of this variant is uncertain due to the absence of conclusive functional and genetic evidence.